The following is an entry in ClinVar:

ClinVar aggregate classification (germline): Likely pathogenic (1 of 4 stars; one submission).

Conditions:
Mucopolysaccharidosis, MPS-I-H/S. Also called: Mucopolysaccharidosis type IH/S. Identifiers: Orphanet 93476, MedGen C0086431, MONDO:0011759, OMIM 607015.

Submission:

Myriad Genetics, Inc.
Classification: Likely pathogenic for Mucopolysaccharidosis, MPS-I-H/S. Last evaluated: 2022-03-17. Review status: criteria provided, single submitter. Criteria: Myriad Women's Health Autosomal Recessive and X-Linked Classification Criteria (2021). Collection method: clinical testing. Allele origin: unknown.
Comment: NM_000203.3(IDUA):c.520A>T(K174*) is expected to be pathogenic in the context of mucopolysaccharidosis type I. This variant is predicted to lead to an abnormal or absent protein product due to the creation of a premature termination codon in IDUA, a gene where loss-of-function variants are known to be pathogenic. Please note: this variant was assessed in the context of healthy population screening.

NM_000203.5(IDUA):c.520A>T (p.Lys174Ter)

Gene: IDUA (alpha-L-iduronidase; plus strand). Cytogenetic location: 4p16.3.
Variant type: single nucleotide variant.
Coding change: c.520A>T on transcript NM_000203.5 (MANE Select); coding-DNA position 520, A replaced by T.
Protein change: p.Lys174Ter; replaces lysine 174 with a stop codon.
Molecular consequence: nonsense. On other transcripts: non-coding transcript variant (1).
Genome position (GRCh38, 1-based): chr4:1,001,494, A>T. VCF-style: chr4-1001494-A-T. GRCh37 (hg19) VCF-style: chr4-995282-A-T.
Other names: c.124A>T, p.Lys42Ter (NM_001363576.1); short protein forms K174*, K42*.
Identifiers: ClinVar variation 1725396 (VCV001725396.2), dbSNP rs2534082785, ClinGen allele CA355961681.
Genomic context (GRCh38, chr4:1,001,494, plus strand): 5'-CCTGTGCTGGGGGGACAGCAAGGCTCCTCTGCAGGTAGGTACGGACTGGCGCATGTTTCC[A>T]AGTGGAACTTCGAGACGTGGAATGAGCCAGACCACCACGACTTTGACAACGTCTCCATGA-3'